The following is an entry in ClinVar:

ClinVar aggregate classification (germline): Likely pathogenic (1 of 4 stars; one submission).

Submission:

GeneDx
Classification: Likely pathogenic. Last evaluated: 2016-10-31. Review status: criteria provided, single submitter. Criteria: GeneDx Variant Classification (06012015). Collection method: clinical testing. Allele origin: germline. Affected: yes.
Comment: The E128K variant has not been published as a pathogenic variant, nor has it been reported as a benign variant to our knowledge. It is not observed in large population cohorts (Lek et al., 2016; McVean et al., 2012; Exome Variant Server). The E128K variant is a non-conservative amino acid substitution that is predicted to occur at a conserved position within the S2 segment of the first homologous domain, and in silico analysis predicts this variant is probably damaging to the protein structure/function. Therefore, this variant is likely pathogenic; however, the possibility that it is benign cannot be excluded.

NM_001205293.3(CACNA1E):c.382G>A (p.Glu128Lys)

Gene: CACNA1E (calcium voltage-gated channel subunit alpha1 E; plus strand). Cytogenetic location: 1q25.3.
Variant type: single nucleotide variant.
Coding change: c.382G>A on transcript NM_001205293.3 (MANE Select); coding-DNA position 382, G replaced by A.
Protein change: p.Glu128Lys; replaces glutamic acid 128 with lysine.
Molecular consequence: missense variant.
Genome position (GRCh38, 1-based): chr1:181,511,380, G>A. VCF-style: chr1-181511380-G-A. GRCh37 (hg19) VCF-style: chr1-181480516-G-A.
Other names: c.382G>A, p.Glu128Lys (NM_000721.4, NM_001205294.2); short protein forms E128K.
Identifiers: ClinVar variation 422435 (VCV000422435.2), dbSNP rs1064795779, ClinGen allele CA16617027.